The following is an entry in ClinVar:

NM_002693.3(POLG):c.126GCA[12] (p.Gln55dup)

Genes: POLG (DNA polymerase gamma, catalytic subunit; minus strand), POLGARF (POLG alternative reading frame; minus strand). Cytogenetic location: 15q26.1.
Variant type: Microsatellite.
Coding change: c.126GCA[12] on transcript NM_002693.3 (MANE Select); 12 copies in a row of the 3-base unit GCA starting at c.126; the reference has 11 copies in a row; one copy, 3 bases duplicated; also written c.156_158dup.
Protein change: p.Gln55dup; duplicates glutamine 55.
Molecular consequence: inframe insertion.
Genome position (GRCh38, 1-based): chr15:89,333,597-89,333,599, TGC duplicated on the plus strand (GCA on the coding strand, the reverse complement: POLG is on the minus strand); duplicating any 3 consecutive bases within chr15:89,333,597-89,333,629 gives the same sequence; the position shown is the placement nearest the transcript's 3' end. VCF-style (leftmost placement, unchanged base first): chr15-89333596-T-TTGC. GRCh37 (hg19) VCF-style: chr15-89876827-T-TTGC.
Other names: c.156_158dup (NM_002693.3); c.126GCA[12], p.Gln55dup (NM_001126131.2); c.156_158dupGCA (NM_002693.2, NM_002693.3).
Identifiers: ClinVar variation 167522 (VCV000167522.48), dbSNP rs41550117, ClinGen allele CA295634.
Genomic context (GRCh38, chr15:89,333,596, plus strand): 5'-TGGGTTGTGCCGCAGCTGCCCGCCCTCCGAGGATAGCACTTGCGGCTGCTGAGGCTGCTG[T>TTGC]TGCTGCTGCTGCTGCTGCTGCTGCTGCTGCTGCCGCCGCCGCTGCCCGTCGCTGGGGTCG-3'

ClinVar aggregate classification (germline): Benign/Likely benign. Review status: criteria provided, multiple submitters, no conflicts (2 of 4 stars). 18 submissions from 18 submitters: Benign (11); Likely benign (2). 5 of the submissions do not count toward it. Last evaluated 2026-02-04.

Conditions:
Recessive mitochondrial ataxia syndrome. Identifiers: Orphanet 94125, MedGen C4760799, MONDO:0019791.
POLG-related disorder. Also called: POLG-Related Spectrum Disorders; POLG-related condition; POLG-Related Disorders. Identifiers: MedGen C4763519.
Inborn genetic diseases. Identifiers: MedGen C0950123, MeSH D030342.
Progressive sclerosing poliodystrophy (MTDPS4A). Also called: Alpers-Huttenlocher Syndrome (AHS); ALPERS PROGRESSIVE INFANTILE POLIODYSTROPHY; Alpers Syndrome; NEURONAL DEGENERATION OF CHILDHOOD WITH LIVER DISEASE, PROGRESSIVE; ALPERS DIFFUSE DEGENERATION OF CEREBRAL GRAY MATTER WITH HEPATIC CIRRHOSIS; Alpers-Huttenlocher Syndrome. Identifiers: Orphanet 726, MedGen C0205710, MONDO:0008758, OMIM 203700.
Mitochondrial DNA depletion syndrome 1. Also called: Mitochondrial neurogastrointestinal encephalomyopathy syndrome; POLIP SYNDROME; POLYNEUROPATHY, OPHTHALMOPLEGIA, LEUKOENCEPHALOPATHY, AND INTESTINAL PSEUDOOBSTRUCTION; Mitochondrial DNA Depletion Syndrome, MNGIE Form; Mitochondrial Neurogastrointestinal Encephalopathy Disease; MITOCHONDRIAL NEUROGASTROINTESTINAL ENCEPHALOPATHY SYNDROME, TYMP-RELATED. Identifiers: Orphanet 298, MedGen C4551995, MONDO:0011283, OMIM 603041.
Progressive external ophthalmoplegia with mitochondrial DNA deletions, autosomal dominant 1 (PEOA1). Also called: Autosomal Dominant Progressive External Ophthalmoplegia (adPEO); PROGRESSIVE EXTERNAL OPHTHALMOPLEGIA, AUTOSOMAL DOMINANT 1. Identifiers: MedGen C1834846, MONDO:0024528, OMIM 157640.
Progressive external ophthalmoplegia with mitochondrial DNA deletions, autosomal recessive 1 (PEOB1). Also called: Autosomal Recessive Progressive External Ophthalmoplegia (arPEO); Progressive external ophthalmoplegia, autosomal recessive 1. Identifiers: Orphanet 254886, MedGen C4225153, MONDO:0009783, OMIM 258450.
Sensory ataxic neuropathy, dysarthria, and ophthalmoparesis (SANDO). Also called: Epilepsy, progressive myoclonic, type 5; Ataxia Neuropathy Spectrum (ANS); SENSORY ATAXIC NEUROPATHY WITH MITOCHONDRIAL DNA DELETIONS, AUTOSOMAL RECESSIVE; Sensory ataxic neuropathy-dysarthria-ophthalmoparesis syndrome. Identifiers: Orphanet 70595, MedGen C1843851, MONDO:0011835, OMIM 607459.
Mitochondrial DNA depletion syndrome 4b. Also called: Mitochondrial Neurogastrointestinal Encephalopathy Disease, POLG-Related; MNGIE, POLG-RELATED. Identifiers: Orphanet 298, MedGen C3150914, MONDO:0013350, OMIM 613662.
Hereditary spastic paraplegia. Also called: Familial spastic paraparesis. Identifiers: Orphanet 685, MedGen C0037773, MONDO:0019064. Disease mechanism: loss of function.

Submissions (18):

Labcorp Genetics (formerly Invitae), Labcorp
Classification: Benign for Progressive sclerosing poliodystrophy. Last evaluated: 2026-02-04. Review status: criteria provided, single submitter. Criteria: Invitae Variant Classification Sherloc (09022015). Collection method: clinical testing. Allele origin: germline.

ARUP Laboratories, Molecular Genetics and Genomics, ARUP Laboratories
Classification: Benign. Last evaluated: 2025-05-21. Review status: criteria provided, single submitter. Criteria: ARUP Molecular Germline Variant Investigation Process 2024. Collection method: clinical testing. Allele origin: germline.

Laboratory of Genetics, Children's Clinical University Hospital Latvia
Classification: Benign. Last evaluated: 2025-02-16. Review status: criteria provided, single submitter. Criteria: ACMG Guidelines, 2015. Collection method: clinical testing. Allele origin: germline. Affected: yes.

Blueprint Genetics
Classification: Benign. Last evaluated: 2024-11-27. Review status: criteria provided, single submitter. Criteria: ACMG Guidelines, 2015. Collection method: clinical testing. Allele origin: germline.

Molecular Genetics, Royal Melbourne Hospital
Classification: Benign for Recessive mitochondrial ataxia syndrome. Last evaluated: 2023-06-06. Review status: criteria provided, single submitter. Criteria: ACMG Guidelines, 2015. Collection method: clinical testing. Allele origin: germline.
Comment: Allele frequency in gnomAD v3.1 is >5% in the African/African American population dataset.

Genome Diagnostics Laboratory, The Hospital for Sick Children
Classification: Benign for Hereditary spastic paraplegia. Last evaluated: 2021-12-16. Review status: criteria provided, single submitter. Criteria: ACMG Guidelines, 2015. Collection method: clinical testing. Allele origin: germline. Affected: yes.

Fulgent Genetics
Classification: Likely benign for Progressive external ophthalmoplegia with mitochondrial DNA deletions, autosomal dominant 1; Progressive sclerosing poliodystrophy; Progressive external ophthalmoplegia with mitochondrial DNA deletions, autosomal recessive 1; Mitochondrial DNA depletion syndrome 1; Sensory ataxic neuropathy, dysarthria, and ophthalmoparesis; Mitochondrial DNA depletion syndrome 4b. Last evaluated: 2021-08-23. Review status: criteria provided, single submitter. Criteria: ACMG Guidelines, 2015. Collection method: clinical testing. Allele origin: unknown.

GeneDx
Classification: Benign. Last evaluated: 2020-06-03. Review status: criteria provided, single submitter. Criteria: GeneDx Variant Classification Process June 2021. Collection method: clinical testing. Allele origin: germline. Affected: yes.
Comment: This variant is associated with the following publications: (PMID: 23066759, 29190809)

Wong Mito Lab, Molecular and Human Genetics, Baylor College of Medicine
Classification: Benign for Progressive sclerosing poliodystrophy. Last evaluated: 2018-10-01. Review status: criteria provided, single submitter. Criteria: ACMG Guidelines, 2015. Collection method: clinical testing. Allele origin: germline.
Comment: The NM_002693.2:c.156_158dup (NP_002684.1:p.Gln53_Gln54insGln) [GRCH38: NC_000015.10:g.89333627_89333629dup] variant in POLG gene is interpretated to be a Benign based on ACMG guidelines (PMID: 25741868). This variant meets the following evidence codes reported in the ACMG-guideline. BS1:The minor allele frequency of this allele is high for Mitochondrial DNA depletion syndrome 4A (Alpers type). BS2:Observation of the variant in controls is inconsistent with penetrance of Mitochondrial DNA depletion syndrome 4A (Alpers type). BP4:Computational evidence/predictors indicate no impact on the POLG structure, function, or protein-protein interaction. Based on the evidence criteria codes applied, the variant is suggested to be Benign.

Genomic Research Center, Shahid Beheshti University of Medical Sciences
Classification: Benign for POLG-Related Spectrum Disorders. Last evaluated: 2018-08-07. Review status: criteria provided, single submitter. Criteria: ACMG Guidelines, 2015. Collection method: clinical testing. Allele origin: inherited. Affected: no. Observed: 1 variant allele.

Ambry Genetics
Classification: Benign for Inborn genetic diseases. Last evaluated: 2016-01-08. Review status: criteria provided, single submitter. Criteria: Ambry Variant Classification Scheme 2023. Collection method: clinical testing. Allele origin: germline.

Genomic Diagnostic Laboratory, Division of Genomic Diagnostics, Children's Hospital of Philadelphia
Classification: Likely benign. Last evaluated: 2015-07-10. Review status: criteria provided, single submitter. Criteria: DGD Variant Analysis Guidelines. Collection method: clinical testing. Allele origin: unknown.

Genetic Services Laboratory, University of Chicago
Classification: Benign. Last evaluated: 2013-10-30. Review status: criteria provided, single submitter. Criteria: ACMG Guidelines, 2007. Collection method: clinical testing. Allele origin: germline.

Mayo Clinic Laboratories, Mayo Clinic
Classification: Benign. Last evaluated: 2016-02-22. Review status: no assertion criteria provided. Collection method: clinical testing. Allele origin: unknown. Not counted in ClinVar's aggregate classification.

Eurofins Ntd Llc (ga)
Classification: Benign for AllHighlyPenetrant. Last evaluated: 2014-02-19. Review status: no assertion criteria provided. Collection method: clinical testing. Allele origin: germline. Observed: 4 variant alleles, 4 heterozygotes. Not counted in ClinVar's aggregate classification.

Genome Diagnostics Laboratory, Amsterdam University Medical Center
Classification: Benign. Review status: no assertion criteria provided. Collection method: clinical testing. Allele origin: germline. Affected: yes. Study: VKGL Data-share Consensus. Not counted in ClinVar's aggregate classification.

Genome Diagnostics Laboratory, University Medical Center Utrecht
Classification: Benign. Review status: no assertion criteria provided. Collection method: clinical testing. Allele origin: germline. Affected: yes. Study: VKGL Data-share Consensus. Not counted in ClinVar's aggregate classification.

Laboratory of Diagnostic Genome Analysis, Leiden University Medical Center (LUMC)
Classification: Likely benign. Review status: no assertion criteria provided. Collection method: clinical testing. Allele origin: germline. Affected: yes. Study: VKGL Data-share Consensus. Not counted in ClinVar's aggregate classification.

Literature cited by the submitters: PubMed 23066759 (cited by Ambry Genetics).